The following is an entry in ClinVar:

ClinVar aggregate classification (germline): Uncertain significance (1 of 4 stars; one submission).

Conditions:
Hereditary cancer-predisposing syndrome. Also called: Hereditary Cancer Syndrome; Hereditary neoplastic syndrome; Neoplastic Syndromes, Hereditary; Tumor predisposition. Identifiers: Orphanet 140162, MedGen C0027672, MeSH D009386, MONDO:0015356.

Submission:

Ambry Genetics
Classification: Uncertain significance for Hereditary cancer-predisposing syndrome. Last evaluated: 2021-03-01. Review status: criteria provided, single submitter. Criteria: Ambry Variant Classification Scheme 2023. Collection method: clinical testing. Allele origin: germline.
Comment: The p.L491F variant (also known as c.1471C>T), located in coding exon 16 of the RB1 gene, results from a C to T substitution at nucleotide position 1471. The leucine at codon 491 is replaced by phenylalanine, an amino acid with highly similar properties. This amino acid position is well conserved in available vertebrate species. In addition, the in silico prediction for this alteration is inconclusive. Since supporting evidence is limited at this time, the clinical significance of this alteration remains unclear.

NM_000321.3(RB1):c.1471C>T (p.Leu491Phe)

Gene: RB1 (RB transcriptional corepressor 1; plus strand). Cytogenetic location: 13q14.2.
Variant type: single nucleotide variant.
Coding change: c.1471C>T on transcript NM_000321.3 (MANE Select); coding-DNA position 1471, C replaced by T.
Protein change: p.Leu491Phe; replaces leucine 491 with phenylalanine.
Molecular consequence: missense variant.
Genome position (GRCh38, 1-based): chr13:48,380,214, C>T. VCF-style: chr13-48380214-C-T. GRCh37 (hg19) VCF-style: chr13-48954350-C-T.
Other names: c.1471C>T, p.Leu491Phe (NM_001407165.1, NM_001407166.1); short protein forms L491F.
Identifiers: ClinVar variation 1773366 (VCV001773366.2), dbSNP rs2138143042, ClinGen allele CA388162871.